The following is an entry in ClinVar:

NM_000263.4(NAGLU):c.441G>A (p.Trp147Ter)

Gene: NAGLU (N-acetyl-alpha-glucosaminidase; plus strand). Cytogenetic location: 17q21.2.
Variant type: single nucleotide variant.
Coding change: c.441G>A on transcript NM_000263.4 (MANE Select); coding-DNA position 441, G replaced by A.
Protein change: p.Trp147Ter; replaces tryptophan 147 with a stop codon.
Molecular consequence: nonsense.
Genome position (GRCh38, 1-based): chr17:42,537,455, G>A. VCF-style: chr17-42537455-G-A. GRCh37 (hg19) VCF-style: chr17-40689473-G-A.
Other names: short protein forms W147*.
Identifiers: ClinVar variation 1429252 (VCV001429252.8), dbSNP rs2143082104, ClinGen allele CA399598112.

ClinVar aggregate classification (germline): Pathogenic (1 of 4 stars; one submission).

Conditions:
Mucopolysaccharidosis, MPS-III-B (MPS3B). Also called: N-ACETYL-ALPHA-D-GLUCOSAMINIDASE DEFICIENCY; NAGLU DEFICIENCY; SANFILIPPO SYNDROME B; MPS III B; MPS IIIB (Sanfilippo Syndrome Type B); MUCOPOLYSACCHARIDOSIS, TYPE IIIB. Identifiers: Orphanet 79270, MedGen C0086648, MONDO:0009656, OMIM 252920.
Charcot-Marie-Tooth disease axonal type 2V. Also called: CHARCOT-MARIE-TOOTH NEUROPATHY, TYPE 2V; CHARCOT-MARIE-TOOTH DISEASE, AXONAL, AUTOSOMAL DOMINANT, TYPE 2V. Identifiers: Orphanet 447964, MedGen C5569050, MONDO:0014665, OMIM 616491.

Submission:

Labcorp Genetics (formerly Invitae), Labcorp
Classification: Pathogenic for Charcot-Marie-Tooth disease axonal type 2V; Mucopolysaccharidosis, MPS-III-B. Last evaluated: 2024-02-24. Review status: criteria provided, single submitter. Criteria: Invitae Variant Classification Sherloc (09022015). Collection method: clinical testing. Allele origin: germline.
Comment: This sequence change creates a premature translational stop signal (p.Trp147*) in the NAGLU gene. It is expected to result in an absent or disrupted protein product. Loss-of-function variants in NAGLU are known to be pathogenic (PMID: 9832037, 10094189, 16151907). This variant is not present in population databases (gnomAD no frequency). This premature translational stop signal has been observed in individual(s) with mucopolysaccharidosis type IIIB (PMID: 18218046). ClinVar contains an entry for this variant (Variation ID: 1429252). For these reasons, this variant has been classified as Pathogenic.

Literature cited by the submitters: PubMed 9832037; PubMed 10094189; PubMed 16151907; PubMed 18218046.